The following is an entry in ClinVar:

NM_001621.5(AHR):c.2087A>C (p.Tyr696Ser)

Gene: AHR (aryl hydrocarbon receptor; plus strand). Cytogenetic location: 7p21.1.
Variant type: single nucleotide variant.
Coding change: c.2087A>C on transcript NM_001621.5 (MANE Select); coding-DNA position 2087, A replaced by C.
Protein change: p.Tyr696Ser; replaces tyrosine 696 with serine.
Molecular consequence: missense variant.
Genome position (GRCh38, 1-based): chr7:17,339,912, A>C. VCF-style: chr7-17339912-A-C. GRCh37 (hg19) VCF-style: chr7-17379536-A-C.
Other names: short protein forms Y696S.
Identifiers: ClinVar variation 1352416 (VCV001352416.8), dbSNP rs746059971, ClinGen allele CA366895950.
Genomic context (GRCh38, chr7:17,339,912, plus strand): 5'-CAGACTTACATGGGATCAGTCAAGAGTTCCCCTACAAATCTGAAATGGATTCTATGCCTT[A>C]TACACAGAACTTTATTTCCTGTAATCAGCCTGTATTACCACAACATTCCAAATGTACAGA-3'
Protein context (NP_001612.1, residues 686-706): PYKSEMDSMP[Tyr696Ser]TQNFISCNQP

ClinVar aggregate classification (germline): Uncertain significance (1 of 4 stars; one submission).

gnomAD v4.1: 16 of 1,614,238 alleles (0.00099%); highest among the groups gnomAD compares: Non-Finnish European, 0.0014%; no homozygotes.

Submission:

Labcorp Genetics (formerly Invitae), Labcorp
Classification: Uncertain significance. Last evaluated: 2022-03-10. Review status: criteria provided, single submitter. Criteria: Invitae Variant Classification Sherloc (09022015). Collection method: clinical testing. Allele origin: germline.
Comment: In summary, the available evidence is currently insufficient to determine the role of this variant in disease. Therefore, it has been classified as a Variant of Uncertain Significance. This sequence change replaces tyrosine, which is neutral and polar, with serine, which is neutral and polar, at codon 696 of the AHR protein (p.Tyr696Ser). This variant is not present in population databases (gnomAD no frequency). This variant has not been reported in the literature in individuals affected with AHR-related conditions. Algorithms developed to predict the effect of missense changes on protein structure and function (SIFT, PolyPhen-2, Align-GVGD) all suggest that this variant is likely to be tolerated.